The following is an entry in ClinVar:

NM_000059.4(BRCA2):c.9509A>G (p.Asp3170Gly)

Gene: BRCA2 (BRCA2 DNA repair associated; plus strand). Cytogenetic location: 13q13.1.
Variant type: single nucleotide variant.
Coding change: c.9509A>G on transcript NM_000059.4 (MANE Select); coding-DNA position 9509, A replaced by G.
Protein change: p.Asp3170Gly; replaces aspartic acid 3170 with glycine.
Molecular consequence: missense variant.
Genome position (GRCh38, 1-based): chr13:32,396,905, A>G. VCF-style: chr13-32396905-A-G. GRCh37 (hg19) VCF-style: chr13-32971042-A-G.
Other names: 9737A>G; short protein forms D3170G.
Identifiers: ClinVar variation 52861 (VCV000052861.68), dbSNP rs80359224, ClinGen allele CA026193.

ClinVar aggregate classification (germline): Benign. Review status: reviewed by expert panel (3 of 4 stars). 19 submissions from 19 submitters: Benign (1). 18 of the submissions do not count toward it. Last evaluated 2015-08-10.

Conditions:
BRCA2-related disorder. Also called: BRCA2-related condition; BRCA2-related disorders. Identifiers: MedGen CN239275.
Hereditary cancer-predisposing syndrome. Also called: Hereditary Cancer Syndrome; Tumor predisposition; Neoplastic Syndromes, Hereditary; Hereditary neoplastic syndrome. Identifiers: Orphanet 140162, MedGen C0027672, MeSH D009386, MONDO:0015356.
Breast and/or ovarian cancer. Identifiers: MedGen CN221562.
Hereditary breast ovarian cancer syndrome. Also called: Breast and ovarian cancer; BRCA1- and BRCA2-Associated Hereditary Breast and Ovarian Cancer; Hereditary breast and ovarian cancer; Hereditary breast and ovarian cancer syndrome (HBOC); Hereditary breast and ovarian cancer syndrome; Hereditary breast and/or ovarian cancer syndrome. Identifiers: Orphanet 145, MedGen C0677776, MeSH D061325, MONDO:0003582. Disease mechanism: loss of function.
Breast-ovarian cancer, familial, susceptibility to, 2 (BROVCA2). Also called: BRCA2 Hereditary Breast and Ovarian Cancer. Identifiers: Orphanet 145, MedGen C2675520, MONDO:0012933, OMIM 612555. Disease mechanism: loss of function.
Malignant tumor of breast. Also called: Malignant breast neoplasm; Cancer breast. Identifiers: MedGen C0006142, MONDO:0007254. Disease mechanism: loss of function.

Allele frequency attached by ClinVar (database versions not stated): TOPMed 0.00001; gnomAD exomes below 0.00001 and 0.00001; ExAC 0.00001; gnomAD 0.00001.
gnomAD v4.1: 15 of 1,613,984 alleles (0.00093%); highest among the groups gnomAD compares: Non-Finnish European, 0.0012%; no homozygotes.

Submissions 1 to 17 of 19:

Evidence-based Network for the Interpretation of Germline Mutant Alleles (ENIGMA)
Classification: Benign for Breast-ovarian cancer, familial 2. Last evaluated: 2015-08-10. Review status: reviewed by expert panel. Criteria: ENIGMA BRCA1/2 Classification Criteria (2015). Collection method: curation. Allele origin: germline.
Comment: IARC class based on posterior probability from multifactorial likelihood analysis, thresholds for class as per Plon et al. 2008 (PMID: 18951446). Class 1 based on posterior probability = 0.0000264

Labcorp Genetics (formerly Invitae), Labcorp
Classification: Likely benign for Hereditary breast ovarian cancer syndrome. Last evaluated: 2026-01-13. Review status: criteria provided, single submitter. Criteria: Invitae Variant Classification Sherloc (09022015). Collection method: clinical testing. Allele origin: germline. Not counted in ClinVar's aggregate classification.

Quest Diagnostics Nichols Institute San Juan Capistrano
Classification: Benign. Last evaluated: 2025-04-25. Review status: criteria provided, single submitter. Criteria: Quest Diagnostics criteria. Collection method: clinical testing. Allele origin: unknown. Not counted in ClinVar's aggregate classification.

Center for Genomic Medicine, Rigshospitalet, Copenhagen University Hospital
Classification: Benign. Last evaluated: 2025-03-04. Review status: criteria provided, single submitter. Criteria: ACMG Guidelines, 2015. Collection method: clinical testing. Allele origin: germline. Not counted in ClinVar's aggregate classification.

All of Us Research Program, National Institutes of Health
Classification: Likely benign for Breast-ovarian cancer, familial, susceptibility to, 2. Last evaluated: 2023-12-18. Review status: criteria provided, single submitter. Criteria: ACMG Guidelines, 2015. Collection method: clinical testing. Allele origin: germline. Inheritance: Autosomal dominant inheritance. Observed: 3 variant alleles, 3 heterozygotes. Not counted in ClinVar's aggregate classification.
Comment: This study involves interpretation of variants in research participants for the purpose of population health screening. Participant phenotype was not available at the time of variant classification. Additional details can be found in publication PMID: 35346344, PMCID: PMC8962531

Institute for Biomarker Research, Medical Diagnostic Laboratories, L.L.C.
Classification: Uncertain significance for Hereditary breast ovarian cancer syndrome. Last evaluated: 2022-09-12. Review status: criteria provided, single submitter. Criteria: ACMG Guidelines, 2015. Collection method: clinical testing. Allele origin: germline. Not counted in ClinVar's aggregate classification.

CeGaT Center for Human Genetics Tuebingen
Classification: Likely benign. Last evaluated: 2022-06-01. Review status: criteria provided, single submitter. Criteria: CeGaT Center For Human Genetics Tuebingen Variant Classification Criteria Version 2. Collection method: clinical testing. Allele origin: germline. Affected: yes. Observed: 1 variant allele. Not counted in ClinVar's aggregate classification.
Comment: BRCA2: BP1, BP4, BS3:Supporting

Sema4
Classification: Likely benign for Hereditary cancer-predisposing syndrome. Last evaluated: 2022-01-19. Review status: criteria provided, single submitter. Criteria: Sema4 Curation Guidelines. Collection method: curation. Allele origin: germline. Not counted in ClinVar's aggregate classification.

CHEO Genetics Diagnostic Laboratory, Children's Hospital of Eastern Ontario
Classification: Likely benign for Breast and/or ovarian cancer. Last evaluated: 2021-11-29. Review status: criteria provided, single submitter. Criteria: ACMG Guidelines, 2015. Collection method: clinical testing. Allele origin: germline. Study: Canadian Open Genetics Repository. Not counted in ClinVar's aggregate classification.

Women's Health and Genetics/Laboratory Corporation of America, LabCorp
Classification: Benign. Last evaluated: 2021-09-13. Review status: criteria provided, single submitter. Criteria: LabCorp Variant Classification Summary - May 2015. Collection method: clinical testing. Allele origin: germline. Not counted in ClinVar's aggregate classification.
Comment: Variant summary: BRCA2 c.9509A>G (p.Asp3170Gly) results in a non-conservative amino acid change located in the OB3 fold (IPR015188) of the encoded protein sequence. Four of five in-silico tools predict a benign effect of the variant on protein function. The variant allele was found at a frequency of 4e-06 in 251308 control chromosomes. The available data on variant occurrences in the general population are insufficient to allow any conclusion about variant significance. In a recent large study evaluating breast cancer cases and controls in the Breast Cancer Association Consortium (BCAC), the variant was reported in 3/60466 cases, but was also found in 4/53461 controls (Dorling_2021 through LOVD). Publications also reported experimental evidence evaluating an impact on protein function, and demonstrated similar homology-directed DNA damage repair (HDR) activity to the wild-type (Mesman_2018, Guidugli_2018). Multifactorial probability models, performing systematic assessments of variants of unknown significance in the BRCA genes, which included analysis of co-occurrence in trans with known deleterious mutations, personal and family history of cancer, tumor pathology and co-segregation with disease in pedigrees, predicted this variant to be neutral (Easton 2007 and Lindor 2012). Karchin_2008 classified variant as neutral based on protein likelihood ratio classification. Seven other submitters, including an expert panel (ENIGMA), have provided clinical-significance assessments for this variant in ClinVar after 2014, and classified the variant as likely benign (n=4) / benign (n=3; including the expert panel). Based on the evidence outlined above, the variant was classified as benign.

GeneDx
Classification: Likely benign. Last evaluated: 2019-02-09. Review status: criteria provided, single submitter. Criteria: GeneDx Variant Classification Process June 2021. Collection method: clinical testing. Allele origin: germline. Affected: yes. Not counted in ClinVar's aggregate classification.
Comment: This variant is associated with the following publications: (PMID: 24323938, 21990134, 17924331, 18951446, 19043619, 18951436, 29394989, 29988080, 29884841)

Color Diagnostics, LLC DBA Color Health
Classification: Likely benign for Hereditary cancer-predisposing syndrome. Last evaluated: 2017-09-11. Review status: criteria provided, single submitter. Criteria: ACMG Guidelines, 2015. Collection method: clinical testing. Allele origin: germline. Not counted in ClinVar's aggregate classification.

ARUP Laboratories, Molecular Genetics and Genomics, ARUP Laboratories
Classification: Benign. Last evaluated: 2016-08-06. Review status: criteria provided, single submitter. Criteria: ARUP Molecular Germline Variant Investigation Process. Collection method: clinical testing. Allele origin: germline. Not counted in ClinVar's aggregate classification.

Ambry Genetics
Classification: Benign for Hereditary cancer-predisposing syndrome. Last evaluated: 2014-11-19. Review status: criteria provided, single submitter. Criteria: Ambry Variant Classification Scheme 2023. Collection method: clinical testing. Allele origin: germline. Not counted in ClinVar's aggregate classification.

PreventionGenetics, part of Exact Sciences
Classification: Likely benign for BRCA2-related condition. Last evaluated: 2023-11-06. Review status: no assertion criteria provided. Collection method: clinical testing. Allele origin: germline. Not counted in ClinVar's aggregate classification.
Comment: This variant is classified as likely benign based on ACMG/AMP sequence variant interpretation guidelines (Richards et al. 2015 PMID: 25741868, with internal and published modifications).

Breast Cancer Information Core (BIC) (BRCA2)
Classification: Uncertain significance for Breast-ovarian cancer, familial 2. Last evaluated: 2002-05-29. Review status: no assertion criteria provided. Collection method: clinical testing. Allele origin: germline. Affected: yes. Observed: 4 variant alleles. Not counted in ClinVar's aggregate classification.

Clinical Genetics DNA and cytogenetics Diagnostics Lab, Erasmus MC, Erasmus Medical Center
Classification: Benign. Review status: no assertion criteria provided. Collection method: clinical testing. Allele origin: germline. Affected: yes. Study: VKGL Data-share Consensus. Not counted in ClinVar's aggregate classification.